The following is an entry in ClinVar:

ClinVar aggregate classification (germline): Uncertain significance. Review status: criteria provided, multiple submitters, no conflicts (2 of 4 stars). 2 submissions from 2 submitters: Uncertain significance (2). Last evaluated 2024-06-04.

Allele frequency attached by ClinVar (database versions not stated): gnomAD 0.00001; gnomAD exomes 0.00001; TOPMed below 0.00001.
gnomAD v4.1: 15 of 1,610,542 alleles (0.00093%); highest among the groups gnomAD compares: Non-Finnish European, 0.0013%; no homozygotes.

Submissions (2):

Labcorp Genetics (formerly Invitae), Labcorp
Classification: Uncertain significance. Last evaluated: 2024-06-04. Review status: criteria provided, single submitter. Criteria: Invitae Variant Classification Sherloc (09022015). Collection method: clinical testing. Allele origin: germline.
Comment: This sequence change replaces asparagine, which is neutral and polar, with serine, which is neutral and polar, at codon 339 of the RASGRP1 protein (p.Asn339Ser). This variant is not present in population databases (gnomAD no frequency). This variant has not been reported in the literature in individuals affected with RASGRP1-related conditions. ClinVar contains an entry for this variant (Variation ID: 2623664). Advanced modeling of protein sequence and biophysical properties (such as structural, functional, and spatial information, amino acid conservation, physicochemical variation, residue mobility, and thermodynamic stability) performed at Invitae indicates that this missense variant is not expected to disrupt RASGRP1 protein function with a negative predictive value of 80%. In summary, the available evidence is currently insufficient to determine the role of this variant in disease. Therefore, it has been classified as a Variant of Uncertain Significance.

Ambry Genetics
Classification: Uncertain significance. Last evaluated: 2023-09-13. Review status: criteria provided, single submitter. Criteria: Ambry Variant Classification Scheme 2023. Collection method: clinical testing. Allele origin: germline.

NM_005739.4(RASGRP1):c.1016A>G (p.Asn339Ser)

Gene: RASGRP1 (RAS guanyl releasing protein 1; minus strand). Cytogenetic location: 15q14.
Variant type: single nucleotide variant.
Coding change: c.1016A>G on transcript NM_005739.4 (MANE Select); coding-DNA position 1016, A replaced by G.
Protein change: p.Asn339Ser; replaces asparagine 339 with serine.
Molecular consequence: missense variant.
Genome position (GRCh38, 1-based): chr15:38,507,952, T>C on the plus strand (A>G on the coding strand, the complement: RASGRP1 is on the minus strand). VCF-style: chr15-38507952-T-C. GRCh37 (hg19) VCF-style: chr15-38800153-T-C.
Other names: c.1016A>G, p.Asn339Ser (NM_001128602.2, NM_001306086.2); short protein forms N339S.
Identifiers: ClinVar variation 2623664 (VCV002623664.3), dbSNP rs1439636466, ClinGen allele CA391666628.